The following is an entry in ClinVar:

ClinVar aggregate classification (germline): Uncertain significance (1 of 4 stars; one submission).

Allele frequency attached by ClinVar (database versions not stated): gnomAD 0.00002; gnomAD exomes 0.00002; TOPMed 0.00003.

Submission:

Labcorp Genetics (formerly Invitae), Labcorp
Classification: Uncertain significance. Last evaluated: 2022-10-05. Review status: criteria provided, single submitter. Criteria: Invitae Variant Classification Sherloc (09022015). Collection method: clinical testing. Allele origin: germline.
Comment: This sequence change replaces arginine, which is basic and polar, with glutamine, which is neutral and polar, at codon 88 of the PDZD7 protein (p.Arg88Gln). This variant is present in population databases (no rsID available, gnomAD 0.002%). This variant has not been reported in the literature in individuals affected with PDZD7-related conditions. Advanced modeling of protein sequence and biophysical properties (such as structural, functional, and spatial information, amino acid conservation, physicochemical variation, residue mobility, and thermodynamic stability) performed at Invitae indicates that this missense variant is not expected to disrupt PDZD7 protein function. Algorithms developed to predict the effect of sequence changes on RNA splicing suggest that this variant may create or strengthen a splice site. In summary, the available evidence is currently insufficient to determine the role of this variant in disease. Therefore, it has been classified as a Variant of Uncertain Significance.

NM_001195263.2(PDZD7):c.263G>A (p.Arg88Gln)

Gene: PDZD7 (PDZ domain containing 7; minus strand). Cytogenetic location: 10q24.31.
Variant type: single nucleotide variant.
Coding change: c.263G>A on transcript NM_001195263.2 (MANE Select); coding-DNA position 263, G replaced by A.
Protein change: p.Arg88Gln; replaces arginine 88 with glutamine.
Molecular consequence: missense variant.
Genome position (GRCh38, 1-based): chr10:101,024,032, C>T on the plus strand (G>A on the coding strand, the complement: PDZD7 is on the minus strand). VCF-style: chr10-101024032-C-T. GRCh37 (hg19) VCF-style: chr10-102783789-C-T.
Other names: c.263G>A, p.Arg88Gln (NM_001351044.2, NM_024895.5); short protein forms R88Q.
Identifiers: ClinVar variation 1929219 (VCV001929219.2), dbSNP rs939313737, ClinGen allele CA212989473.